The following is an entry in ClinVar:

ClinVar aggregate classification (germline): Conflicting classifications of pathogenicity. Review status: criteria provided, conflicting classifications (1 of 4 stars). 3 submissions from 3 submitters: Uncertain significance (2); Likely benign (1). Last evaluated 2025-02-25.

Conditions:
Inborn genetic diseases. Identifiers: MedGen C0950123, MeSH D030342.
ADGRV1-related disorder. Also called: ADGRV1-related disorders; ADGRV1-related condition.

Allele frequency attached by ClinVar (database versions not stated): gnomAD exomes below 0.00001 and 0.00003; gnomAD 0.00001; TOPMed 0.00001; ExAC 0.00003; 1000 Genomes Project 30x 0.00016; 1000 Genomes Project 0.00020.
gnomAD v4.1: 9 of 1,475,146 alleles (0.00061%); highest among the groups gnomAD compares: East Asian, 0.017%; no homozygotes.

Submissions (3):

PreventionGenetics, part of Exact Sciences
Classification: Uncertain significance for ADGRV1-related condition. Last evaluated: 2025-02-25. Review status: criteria provided, single submitter. Criteria: ACMG Guidelines, 2015. Collection method: clinical testing. Allele origin: germline.
Comment: The ADGRV1 c.180G>C variant is predicted to result in the amino acid substitution p.Glu60Asp. To our knowledge, this variant has not been reported in the literature. This variant is reported in 0.040% of alleles in individuals of East Asian descent in gnomAD. At this time, the clinical significance of this variant is uncertain due to the absence of conclusive functional and genetic evidence.

Labcorp Genetics (formerly Invitae), Labcorp
Classification: Likely benign. Last evaluated: 2024-05-20. Review status: criteria provided, single submitter. Criteria: Invitae Variant Classification Sherloc (09022015). Collection method: clinical testing. Allele origin: germline.

Ambry Genetics
Classification: Uncertain significance for Inborn genetic diseases. Last evaluated: 2023-09-13. Review status: criteria provided, single submitter. Criteria: Ambry Variant Classification Scheme 2023. Collection method: clinical testing. Allele origin: germline.

NM_032119.4(ADGRV1):c.180G>C (p.Glu60Asp)

Gene: ADGRV1 (adhesion G protein-coupled receptor V1; plus strand). Cytogenetic location: 5q14.3.
Variant type: single nucleotide variant.
Coding change: c.180G>C on transcript NM_032119.4 (MANE Select); coding-DNA position 180, G replaced by C.
Protein change: p.Glu60Asp; replaces glutamic acid 60 with aspartic acid.
Molecular consequence: missense variant. On other transcripts: non-coding transcript variant (1).
Genome position (GRCh38, 1-based): chr5:90,614,992, G>C. VCF-style: chr5-90614992-G-C. GRCh37 (hg19) VCF-style: chr5-89910809-G-C.
Other names: c.180G>C (NM_032119.3); short protein forms E60D.
Identifiers: ClinVar variation 1405606 (VCV001405606.10), dbSNP rs569274233, ClinGen allele CA3338398.
Genomic context (GRCh38, chr5:90,614,992, plus strand): 5'-ATTTGTTGTTAATGAAACAAGTACAACAGTTATTCGTCTTATCATTGAAAGGATAGGAGA[G>C]CCAGCAAATGTTACTGCAATTGTATCGGTAAGAAATTATTATAGCTCTATTTTTACTGAA-3'
Protein context (NP_115495.3, residues 50-70): VIRLIIERIG[Glu60Asp]PANVTAIVSL